The following is an entry in ClinVar:

ClinVar aggregate classification (germline): Uncertain significance (1 of 4 stars; one submission).

gnomAD v4.1: 1 of 1,610,010 alleles (0.000062%); no homozygotes.

Submission:

Labcorp Genetics (formerly Invitae), Labcorp
Classification: Uncertain significance. Last evaluated: 2023-01-30. Review status: criteria provided, single submitter. Criteria: Invitae Variant Classification Sherloc (09022015). Collection method: clinical testing. Allele origin: germline.
Comment: This variant has not been reported in the literature in individuals affected with ERBIN-related conditions. Algorithms developed to predict the effect of missense changes on protein structure and function are either unavailable or do not agree on the potential impact of this missense change (SIFT: "Deleterious"; PolyPhen-2: "Possibly Damaging"; Align-GVGD: "Class C0"). In summary, the available evidence is currently insufficient to determine the role of this variant in disease. Therefore, it has been classified as a Variant of Uncertain Significance. This sequence change replaces isoleucine, which is neutral and non-polar, with methionine, which is neutral and non-polar, at codon 763 of the ERBIN protein (p.Ile763Met). This variant is not present in population databases (gnomAD no frequency).

NM_001253697.2(ERBIN):c.2289C>G (p.Ile763Met)

Gene: ERBIN (erbb2 interacting protein; plus strand). Cytogenetic location: 5q12.3.
Variant type: single nucleotide variant.
Coding change: c.2289C>G on transcript NM_001253697.2 (MANE Select); coding-DNA position 2289, C replaced by G.
Protein change: p.Ile763Met; replaces isoleucine 763 with methionine.
Molecular consequence: missense variant.
Genome position (GRCh38, 1-based): chr5:66,053,607, C>G. VCF-style: chr5-66053607-C-G. GRCh37 (hg19) VCF-style: chr5-65349435-C-G.
Other names: c.2289C>G, p.Ile763Met (NM_001006600.3, NM_001253698.2, NM_001253699.2 and 1 more transcripts); c.2277C>G, p.Ile759Met (NM_001253701.2); short protein forms I759M, I763M.
Identifiers: ClinVar variation 2833000 (VCV002833000.3), dbSNP rs2546811072, ClinGen allele CA359866435.